The following is an entry in ClinVar:

ClinVar aggregate classification (germline): Uncertain significance (1 of 4 stars; one submission).

Submission:

GeneDx
Classification: Uncertain significance. Last evaluated: 2022-06-07. Review status: criteria provided, single submitter. Criteria: GeneDx Variant Classification Process June 2021. Collection method: clinical testing. Allele origin: germline. Affected: yes.
Comment: Not observed at significant frequency in large population cohorts (gnomAD); In silico analysis supports that this missense variant does not alter protein structure/function; Has not been previously published as pathogenic or benign to our knowledge

NM_000240.4(MAOA):c.542A>G (p.Asn181Ser)

Gene: MAOA (monoamine oxidase A; plus strand). Cytogenetic location: Xp11.3.
Variant type: single nucleotide variant.
Coding change: c.542A>G on transcript NM_000240.4 (MANE Select); coding-DNA position 542, A replaced by G.
Protein change: p.Asn181Ser; replaces asparagine 181 with serine.
Molecular consequence: missense variant.
Genome position (GRCh38, 1-based): chrX:43,728,211, A>G. VCF-style: chrX-43728211-A-G. GRCh37 (hg19) VCF-style: chrX-43587458-A-G.
Other names: c.143A>G, p.Asn48Ser (NM_001270458.2); short protein forms N181S, N48S.
Identifiers: ClinVar variation 1803293 (VCV001803293.1), dbSNP rs2519157567, ClinGen allele CA413005942.